The following is an entry in ClinVar:

NM_182931.3(KMT2E):c.4270T>C (p.Ser1424Pro)

Gene: KMT2E (lysine methyltransferase 2E (inactive); plus strand). Cytogenetic location: 7q22.3.
Variant type: single nucleotide variant.
Coding change: c.4270T>C on transcript NM_182931.3 (MANE Select); coding-DNA position 4270, T replaced by C.
Protein change: p.Ser1424Pro; replaces serine 1424 with proline.
Molecular consequence: missense variant.
Genome position (GRCh38, 1-based): chr7:105,112,026, T>C. VCF-style: chr7-105112026-T-C. GRCh37 (hg19) VCF-style: chr7-104752473-T-C.
Other names: c.4144T>C, p.Ser1382Pro (NM_001410908.1); c.4270T>C, p.Ser1424Pro (NM_018682.4); c.4270T>C (NM_182931.2); short protein forms S1424P, S1382P.
Identifiers: ClinVar variation 2038956 (VCV002038956.6), dbSNP rs35605511, ClinGen allele CA4424722.

ClinVar aggregate classification (germline): Benign. Review status: criteria provided, single submitter (1 of 4 stars). 2 submissions from 2 submitters: Benign (1). 1 of the submissions does not count toward it. Last evaluated 2026-02-03.

Conditions:
KMT2E-related disorder. Also called: KMT2E-related condition.

Allele frequency attached by ClinVar (database versions not stated): gnomAD exomes 0.00044; ExAC 0.00140; 1000 Genomes Project 30x 0.00344; 1000 Genomes Project 0.00359; gnomAD 0.00462; ESP Exome Variant Server 0.00492; TOPMed 0.00526.
gnomAD v4.1: 1,367 of 1,614,158 alleles (0.085%); highest among the groups gnomAD compares: African/African-American, 1.6%; 13 homozygotes.

Submissions (2):

Labcorp Genetics (formerly Invitae), Labcorp
Classification: Benign. Last evaluated: 2026-02-03. Review status: criteria provided, single submitter. Criteria: Invitae Variant Classification Sherloc (09022015). Collection method: clinical testing. Allele origin: germline.

PreventionGenetics, part of Exact Sciences
Classification: Benign for KMT2E-related condition. Last evaluated: 2021-06-30. Review status: no assertion criteria provided. Collection method: clinical testing. Allele origin: germline. Not counted in ClinVar's aggregate classification.
Comment: This variant is classified as benign based on ACMG/AMP sequence variant interpretation guidelines (Richards et al. 2015 PMID: 25741868, with internal and published modifications).